The following is an entry in ClinVar:

NM_001048174.2(MUTYH):c.134A>T (p.Glu45Val)

Gene: MUTYH (mutY DNA glycosylase; minus strand). Cytogenetic location: 1p34.1.
Variant type: single nucleotide variant.
Coding change: c.134A>T on transcript NM_001048174.2 (MANE Select); coding-DNA position 134, A replaced by T.
Protein change: p.Glu45Val; replaces glutamic acid 45 with valine.
Molecular consequence: missense variant. On other transcripts: non-coding transcript variant (5), intron variant (5), 5 prime UTR variant (1).
Genome position (GRCh38, 1-based): chr1:45,333,543, T>A on the plus strand (A>T on the coding strand, the complement: MUTYH is on the minus strand). VCF-style: chr1-45333543-T-A. GRCh37 (hg19) VCF-style: chr1-45799215-T-A.
Other names: c.137A>T, p.Glu46Val (NM_001048172.2, NM_001407078.1, NM_001407079.1 and 2 more transcripts); c.134A>T, p.Glu45Val (NM_001048173.2, NM_001407080.1, NM_001407081.1 and 6 more transcripts); c.50A>T, p.Glu17Val (NM_001407075.1); c.167A>T, p.Glu56Val (NM_001407077.1, NM_001293191.2); c.176A>T, p.Glu59Val (NM_001407085.1, NM_001407083.1, NM_001407073.1); c.155A>T, p.Glu52Val (NM_001407087.1); c.209A>T, p.Glu70Val (NM_012222.3, NM_001407069.1); c.-92-46A>T (NM_001350651.2, NM_001407082.1); and 4 more; short protein forms E46V, E56V, E70V, E17V, E45V, E52V, E59V, E60V.
Identifiers: ClinVar variation 4113514 (VCV004113514.1).

ClinVar aggregate classification (germline): Uncertain significance (1 of 4 stars; one submission).

Conditions:
Hereditary cancer-predisposing syndrome. Also called: Hereditary neoplastic syndrome; Neoplastic Syndromes, Hereditary; Tumor predisposition; Hereditary Cancer Syndrome. Identifiers: Orphanet 140162, MedGen C0027672, MeSH D009386, MONDO:0015356.

Submission:

Ambry Genetics
Classification: Uncertain significance for Hereditary cancer-predisposing syndrome. Last evaluated: 2025-08-27. Review status: criteria provided, single submitter. Criteria: Ambry Variant Classification Scheme 2023. Collection method: clinical testing. Allele origin: germline.
Comment: The p.E73V variant (also known as c.218A>T), located in coding exon 3 of the MUTYH gene, results from an A to T substitution at nucleotide position 218. The glutamic acid at codon 73 is replaced by valine, an amino acid with dissimilar properties. This amino acid position is conserved. In addition, this alteration is predicted to be tolerated by in silico analysis. Based on the available evidence, the clinical significance of this variant remains unclear.